The following is an entry in ClinVar:

NM_001356.5(DDX3X):c.1695A>C (p.Gln565His)

Gene: DDX3X (DEAD-box helicase 3 X-linked; plus strand). Cytogenetic location: Xp11.4.
Variant type: single nucleotide variant.
Coding change: c.1695A>C on transcript NM_001356.5 (MANE Select); coding-DNA position 1695, A replaced by C.
Protein change: p.Gln565His; replaces glutamine 565 with histidine.
Molecular consequence: missense variant. On other transcripts: non-coding transcript variant (1).
Genome position (GRCh38, 1-based): chrX:41,346,938, A>C. VCF-style: chrX-41346938-A-C. GRCh37 (hg19) VCF-style: chrX-41206191-A-C.
Other names: c.1695A>C, p.Gln565His (NM_001193416.3); c.1647A>C, p.Gln549His (NM_001193417.3); c.1137A>C, p.Gln379His (NM_001363819.1); short protein forms Q379H, Q549H, Q565H.
Identifiers: ClinVar variation 1711151 (VCV001711151.3), dbSNP rs2519525680, ClinGen allele CA412777731.

ClinVar aggregate classification (germline): Likely pathogenic (1 of 4 stars; one submission).

Conditions:
Intellectual disability, X-linked 102 (MRXSSB). Also called: Intellectual developmental disorder, X-linked syndromic, Snijders Blok type. Identifiers: Orphanet 457260, MedGen C5393299, MONDO:0010497, OMIM 300958.

Submission:

Laboratory of Functional Genomics, Research Centre for Medical Genetics
Classification: Likely pathogenic for Intellectual disability, X-linked 102. Last evaluated: 2022-07-14. Review status: criteria provided, single submitter. Criteria: ACMG Guidelines, 2015. Collection method: clinical testing. Allele origin: de novo. Affected: yes. Observed: 1 heterozygote.
Comment: The variant c.1695A>C in DDX3X gene could be classified as likely pathogenic variant according to ACMG criteria (PM2, PS2). This variant is absent from gnomAD database.